The following is an entry in ClinVar:

NM_020937.4(FANCM):c.3857G>T (p.Ser1286Ile)

Gene: FANCM (FA complementation group M; plus strand). Cytogenetic location: 14q21.2.
Variant type: single nucleotide variant.
Coding change: c.3857G>T on transcript NM_020937.4 (MANE Select); coding-DNA position 3857, G replaced by T.
Protein change: p.Ser1286Ile; replaces serine 1286 with isoleucine.
Molecular consequence: missense variant.
Genome position (GRCh38, 1-based): chr14:45,176,611, G>T. VCF-style: chr14-45176611-G-T. GRCh37 (hg19) VCF-style: chr14-45645814-G-T.
Other names: c.3779G>T, p.Ser1260Ile (NM_001308133.2); short protein forms S1260I, S1286I.
Identifiers: ClinVar variation 1983259 (VCV001983259.4), dbSNP rs1888719897, ClinGen allele CA389603322.

ClinVar aggregate classification (germline): Uncertain significance (1 of 4 stars; one submission).

Conditions:
Fanconi anemia (FA). Also called: Fanconi's anemia. Identifiers: Orphanet 84, MedGen C0015625, MeSH D005199, MONDO:0019391.

Allele frequency attached by ClinVar (database versions not stated): gnomAD exomes below 0.00001.
gnomAD v4.1: 3 of 1,610,188 alleles (0.00019%); highest among the groups gnomAD compares: Admixed American, 0.0034%; no homozygotes.

Submission:

Labcorp Genetics (formerly Invitae), Labcorp
Classification: Uncertain significance for Fanconi anemia. Last evaluated: 2022-09-01. Review status: criteria provided, single submitter. Criteria: Invitae Variant Classification Sherloc (09022015). Collection method: clinical testing. Allele origin: germline.
Comment: In summary, the available evidence is currently insufficient to determine the role of this variant in disease. Therefore, it has been classified as a Variant of Uncertain Significance. Algorithms developed to predict the effect of missense changes on protein structure and function output the following: SIFT: "Tolerated"; PolyPhen-2: "Benign"; Align-GVGD: "Class C0". The isoleucine amino acid residue is found in multiple mammalian species, which suggests that this missense change does not adversely affect protein function. This variant has not been reported in the literature in individuals affected with FANCM-related conditions. This variant is not present in population databases (gnomAD no frequency). This sequence change replaces serine, which is neutral and polar, with isoleucine, which is neutral and non-polar, at codon 1286 of the FANCM protein (p.Ser1286Ile).